The following is an entry in ClinVar:

ClinVar aggregate classification (germline): Conflicting classifications of pathogenicity. Review status: criteria provided, conflicting classifications (1 of 4 stars). 4 submissions from 4 submitters: Uncertain significance (3); Likely benign (1). Last evaluated 2025-11-08.

Conditions:
Inborn genetic diseases. Identifiers: MedGen C0950123, MeSH D030342.
Retinitis pigmentosa 1 (RP1). Identifiers: Orphanet 791, MedGen C0220701, MONDO:0008377, OMIM 180100.
RP1-related disorder. Also called: RP1-related condition.

Allele frequency attached by ClinVar (database versions not stated): TOPMed below 0.00001; gnomAD 0.00003; gnomAD exomes 0.00008 and 0.00015; 1000 Genomes Project 30x 0.00016; 1000 Genomes Project 0.00020; ExAC 0.00020.
gnomAD v4.1: 122 of 1,613,628 alleles (0.0076%); highest among the groups gnomAD compares: South Asian, 0.13%; no homozygotes.

Submissions (4):

Labcorp Genetics (formerly Invitae), Labcorp
Classification: Uncertain significance. Last evaluated: 2025-11-08. Review status: criteria provided, single submitter. Criteria: Invitae Variant Classification Sherloc (09022015). Collection method: clinical testing. Allele origin: germline.
Comment: This sequence change replaces lysine, which is basic and polar, with arginine, which is basic and polar, at codon 817 of the RP1 protein (p.Lys817Arg). This variant is present in population databases (rs560123447, gnomAD 0.1%). This missense change has been observed in individual(s) with retinal dystrophy (internal data). ClinVar contains an entry for this variant (Variation ID: 1052769). An algorithm developed to predict the effect of missense changes on protein structure and function (PolyPhen-2) suggests that this variant is likely to be tolerated. In summary, the available evidence is currently insufficient to determine the role of this variant in disease. Therefore, it has been classified as a Variant of Uncertain Significance.

PreventionGenetics, part of Exact Sciences
Classification: Uncertain significance for RP1-related condition. Last evaluated: 2024-10-16. Review status: criteria provided, single submitter. Criteria: ACMG Guidelines, 2015. Collection method: clinical testing. Allele origin: germline.
Comment: The RP1 c.2450A>G variant is predicted to result in the amino acid substitution p.Lys817Arg. To our knowledge, this variant has not been reported in the literature. This variant is reported in 0.12% of alleles in individuals of South Asian descent in gnomAD, which may be too common to be an unreported cause of disease. Although we suspect that this variant may be benign, at this time, the clinical significance of this variant is uncertain due to the absence of conclusive functional and genetic evidence.

Ambry Genetics
Classification: Uncertain significance for Inborn genetic diseases. Last evaluated: 2024-08-14. Review status: criteria provided, single submitter. Criteria: Ambry Variant Classification Scheme 2023. Collection method: clinical testing. Allele origin: germline.

Blueprint Genetics
Classification: Likely benign. Last evaluated: 2021-06-15. Review status: criteria provided, single submitter. Criteria: ACMG Guidelines, 2015. Collection method: clinical testing. Allele origin: germline.

NM_006269.2(RP1):c.2450A>G (p.Lys817Arg)

Gene: RP1 (RP1 axonemal microtubule associated; plus strand). Cytogenetic location: 8q12.1.
Variant type: single nucleotide variant.
Coding change: c.2450A>G on transcript NM_006269.2 (MANE Select); coding-DNA position 2450, A replaced by G.
Protein change: p.Lys817Arg; replaces lysine 817 with arginine.
Molecular consequence: missense variant. On other transcripts: intron variant (1).
Genome position (GRCh38, 1-based): chr8:54,626,332, A>G. VCF-style: chr8-54626332-A-G. GRCh37 (hg19) VCF-style: chr8-55538892-A-G.
Other names: c.2450A>G (NM_006269.1); c.787+4044A>G (NM_001375654.1); short protein forms K817R.
Identifiers: ClinVar variation 1052769 (VCV001052769.14), dbSNP rs560123447, ClinGen allele CA4751536.